The following is an entry in ClinVar:

ClinVar aggregate classification (germline): Uncertain significance (1 of 4 stars; one submission).

Conditions:
Cutis laxa, autosomal dominant 3 (ADCL3). Identifiers: Orphanet 90348, MedGen C4225268, MONDO:0014706, OMIM 616603.
Autosomal dominant spastic paraplegia type 9. Identifiers: MedGen C1832669, MONDO:0015091.
de Barsy syndrome. Also called: Cutis laxa-corneal clouding-oligophrenia syndrome. Identifiers: Orphanet 2962, MedGen C0268354, MONDO:0017569.

Allele frequency attached by ClinVar (database versions not stated): gnomAD exomes below 0.00001.
gnomAD v4.1: 2 of 1,614,208 alleles (0.00012%); highest among the groups gnomAD compares: Non-Finnish European, 0.00017%; no homozygotes.

Submission:

Labcorp Genetics (formerly Invitae), Labcorp
Classification: Uncertain significance for Autosomal dominant spastic paraplegia type 9; de Barsy syndrome; Cutis laxa, autosomal dominant 3. Last evaluated: 2022-09-22. Review status: criteria provided, single submitter. Criteria: Invitae Variant Classification Sherloc (09022015). Collection method: clinical testing. Allele origin: germline.
Comment: In summary, the available evidence is currently insufficient to determine the role of this variant in disease. Therefore, it has been classified as a Variant of Uncertain Significance. This variant disrupts the p.Arg128 amino acid residue in ALDH18A1. Other variant(s) that disrupt this residue have been determined to be pathogenic (PMID: 26026163). This suggests that this residue is clinically significant, and that variants that disrupt this residue are likely to be disease-causing. Advanced modeling of protein sequence and biophysical properties (such as structural, functional, and spatial information, amino acid conservation, physicochemical variation, residue mobility, and thermodynamic stability) has been performed at Invitae for this missense variant, however the output from this modeling did not meet the statistical confidence thresholds required to predict the impact of this variant on ALDH18A1 protein function. This variant has not been reported in the literature in individuals affected with ALDH18A1-related conditions. This variant is not present in population databases (gnomAD no frequency). This sequence change replaces arginine, which is basic and polar, with cysteine, which is neutral and slightly polar, at codon 128 of the ALDH18A1 protein (p.Arg128Cys).

Literature cited by the submitters: PubMed 26026163.

NM_002860.4(ALDH18A1):c.382C>T (p.Arg128Cys)

Gene: ALDH18A1 (aldehyde dehydrogenase 18 family member A1; minus strand). Cytogenetic location: 10q24.1.
Variant type: single nucleotide variant.
Coding change: c.382C>T on transcript NM_002860.4 (MANE Select); coding-DNA position 382, C replaced by T.
Protein change: p.Arg128Cys; replaces arginine 128 with cysteine.
Molecular consequence: missense variant. On other transcripts: intron variant (1).
Genome position (GRCh38, 1-based): chr10:95,637,358, G>A on the plus strand (C>T on the coding strand, the complement: ALDH18A1 is on the minus strand). VCF-style: chr10-95637358-G-A. GRCh37 (hg19) VCF-style: chr10-97397115-G-A.
Other names: c.382C>T, p.Arg128Cys (NM_001017423.2, NM_001323413.2, NM_001323414.2 and 2 more transcripts); c.49C>T, p.Arg17Cys (NM_001323412.2, NM_001323416.2, NM_001323418.2); c.-78-3709C>T (NM_001323419.2); short protein forms R128C, R17C.
Identifiers: ClinVar variation 2154116 (VCV002154116.4), dbSNP rs1305993720, ClinGen allele CA377706744.